The following is an entry in ClinVar:

NM_014822.4(SEC24D):c.2270A>G (p.Gln757Arg)

Gene: SEC24D (SEC24 homolog D, COPII component; minus strand). Cytogenetic location: 4q26.
Variant type: single nucleotide variant.
Coding change: c.2270A>G on transcript NM_014822.4 (MANE Select); coding-DNA position 2270, A replaced by G.
Protein change: p.Gln757Arg; replaces glutamine 757 with arginine.
Molecular consequence: missense variant.
Genome position (GRCh38, 1-based): chr4:118,739,256, T>C on the plus strand (A>G on the coding strand, the complement: SEC24D is on the minus strand). VCF-style: chr4-118739256-T-C. GRCh37 (hg19) VCF-style: chr4-119660411-T-C.
Other names: c.2273A>G, p.Gln758Arg (NM_001318066.2); short protein forms Q757R, Q758R.
Identifiers: ClinVar variation 1501881 (VCV001501881.8), dbSNP rs2110438937, ClinGen allele CA358006967.

ClinVar aggregate classification (germline): Uncertain significance (1 of 4 stars; one submission).

Submission:

Labcorp Genetics (formerly Invitae), Labcorp
Classification: Uncertain significance. Last evaluated: 2021-06-28. Review status: criteria provided, single submitter. Criteria: Invitae Variant Classification Sherloc (09022015). Collection method: clinical testing. Allele origin: germline.
Comment: This sequence change replaces glutamine with arginine at codon 757 of the SEC24D protein (p.Gln757Arg). The glutamine residue is highly conserved and there is a small physicochemical difference between glutamine and arginine. This variant is not present in population databases (ExAC no frequency). This variant has not been reported in the literature in individuals with SEC24D-related conditions. Algorithms developed to predict the effect of missense changes on protein structure and function are either unavailable or do not agree on the potential impact of this missense change (SIFT: "Not Available"; PolyPhen-2: "Benign"; Align-GVGD: "Not Available"). In summary, the available evidence is currently insufficient to determine the role of this variant in disease. Therefore, it has been classified as a Variant of Uncertain Significance.